The following is an entry in ClinVar:

NC_000005.9:g.(?_6600039)_(6845036_?)dup

Genes: NSUN2 (NOP2/Sun RNA methyltransferase 2; minus strand), SRD5A1 (steroid 5 alpha-reductase 1; plus strand), TENT4A (terminal nucleotidyltransferase 4A; plus strand). Cytogenetic location: 5p15.31.
Variant type: Duplication.
Identifiers: ClinVar variation 2426351 (VCV002426351.3).

ClinVar aggregate classification (germline): Uncertain significance (1 of 4 stars; one submission).

Submission:

Labcorp Genetics (formerly Invitae), Labcorp
Classification: Uncertain significance. Last evaluated: 2022-10-13. Review status: criteria provided, single submitter. Criteria: Invitae Variant Classification Sherloc (09022015). Collection method: clinical testing. Allele origin: germline.
Comment: A copy number gain of the genomic region encompassing the full coding sequence of the NSUN2 gene has been identified. The boundaries of this event are unknown as they extend beyond the assayed region for this gene and therefore may encompass additional genes. As the precise location of this event is unknown, it may be in tandem or it may be located elsewhere in the genome. This variant has not been reported in the literature in individuals affected with NSUN2-related conditions. In summary, the available evidence is currently insufficient to determine the role of this variant in disease. Therefore, it has been classified as a Variant of Uncertain Significance.